The following is an entry in ClinVar:

NM_138694.4(PKHD1):c.6319A>T (p.Lys2107Ter)

Gene: PKHD1 (PKHD1 ciliary IPT domain containing fibrocystin/polyductin; minus strand). Cytogenetic location: 6p12.2.
Variant type: single nucleotide variant.
Coding change: c.6319A>T on transcript NM_138694.4 (MANE Select); coding-DNA position 6319, A replaced by T.
Protein change: p.Lys2107Ter; replaces lysine 2107 with a stop codon.
Molecular consequence: nonsense.
Genome position (GRCh38, 1-based): chr6:51,912,379, T>A on the plus strand (A>T on the coding strand, the complement: PKHD1 is on the minus strand). VCF-style: chr6-51912379-T-A. GRCh37 (hg19) VCF-style: chr6-51777177-T-A.
Other names: c.6319A>T, p.Lys2107Ter (NM_170724.3); short protein forms K2107*.
Identifiers: ClinVar variation 4734923 (VCV004734923.1).
Genomic context (GRCh38, chr6:51,912,379, plus strand): 5'-GATCTCATCTTCTTCCATGTCAACTTAGCCAAGCTGACACTCAGTACCTCAAAGGTGACT[T>A]AAGATAGAGGTCTGTATCCTGCACAGTTTCCACAGTGACAATCTCTTCCATCGGTTTGGC-3'

ClinVar aggregate classification (germline): Pathogenic (1 of 4 stars; one submission).

Conditions:
Autosomal recessive polycystic kidney disease (ARPKD). Also called: AR polycystic kidney disease. Identifiers: Orphanet 731, Orphanet 8378, MedGen C0085548, MeSH D017044, MONDO:0009889.

Submission:

Labcorp Genetics (formerly Invitae), Labcorp
Classification: Pathogenic for Autosomal recessive polycystic kidney disease. Last evaluated: 2026-01-08. Review status: criteria provided, single submitter. Criteria: Invitae Variant Classification Sherloc (09022015). Collection method: clinical testing. Allele origin: germline.
Comment: This sequence change creates a premature translational stop signal (p.Lys2107*) in the PKHD1 gene. It is expected to result in an absent or disrupted protein product. Loss-of-function variants in PKHD1 are known to be pathogenic (PMID: 19940839). This variant is not present in population databases (gnomAD no frequency). This variant has not been reported in the literature in individuals affected with PKHD1-related conditions. Algorithms developed to predict the effect of sequence changes on RNA splicing suggest that this variant may disrupt the consensus splice site. For these reasons, this variant has been classified as Pathogenic.

Literature cited by the submitters: PubMed 19940839.